The following is an entry in ClinVar:

NM_002230.4(JUP):c.1212C>A (p.Asp404Glu)

Gene: JUP (junction plakoglobin; minus strand). Cytogenetic location: 17q21.2.
Variant type: single nucleotide variant.
Coding change: c.1212C>A on transcript NM_002230.4 (MANE Select); coding-DNA position 1212, C replaced by A.
Protein change: p.Asp404Glu; replaces aspartic acid 404 with glutamic acid.
Molecular consequence: missense variant.
Genome position (GRCh38, 1-based): chr17:41,763,268, G>T on the plus strand (C>A on the coding strand, the complement: JUP is on the minus strand). VCF-style: chr17-41763268-G-T. GRCh37 (hg19) VCF-style: chr17-39919520-G-T.
Other names: c.1212C>A, p.Asp404Glu (NM_001352773.2, NM_001352774.2, NM_001352775.2 and 3 more transcripts); short protein forms D404E.
Identifiers: ClinVar variation 951239 (VCV000951239.10), dbSNP rs1482026041, ClinGen allele CA399498011.

ClinVar aggregate classification (germline): Uncertain significance. Review status: criteria provided, multiple submitters, no conflicts (2 of 4 stars). 2 submissions from 2 submitters: Uncertain significance (2). Last evaluated 2025-06-12.

Conditions:
Cardiovascular phenotype. Identifiers: MedGen CN230736.
Naxos disease (NXD). Also called: WOOLLY HAIR, PALMOPLANTAR KERATODERMA, AND CARDIAC ABNORMALITIES; KERATOSIS PALMOPLANTARIS WITH ARRHYTHMOGENIC CARDIOMYOPATHY; MAL DE NAXOS; PALMOPLANTAR KERATODERMA WITH ARRHYTHMOGENIC RIGHT VENTRICULAR CARDIOMYOPATHY AND WOOLLY HAIR; CARDIOMYOPATHY, ARRHYTHMOGENIC RIGHT VENTRICULAR, WITH SKIN, HAIR, AND NAIL ABNORMALITIES. Identifiers: Orphanet 34217, MedGen C1832600, MONDO:0011017, OMIM 601214.
Arrhythmogenic right ventricular dysplasia 12. Also called: ARRHYTHMOGENIC RIGHT VENTRICULAR DYSPLASIA, FAMILIAL, 12. Identifiers: MedGen C1969081, MONDO:0012684, OMIM 611528.

Allele frequency attached by ClinVar (database versions not stated): TOPMed 0.00001.
gnomAD v4.1: 2 of 1,614,070 alleles (0.00012%); highest among the groups gnomAD compares: African/African-American, 0.0027%; no homozygotes.

Submissions (2):

Labcorp Genetics (formerly Invitae), Labcorp
Classification: Uncertain significance for Arrhythmogenic right ventricular dysplasia 12; Naxos disease. Last evaluated: 2025-06-12. Review status: criteria provided, single submitter. Criteria: Invitae Variant Classification Sherloc (09022015). Collection method: clinical testing. Allele origin: germline.
Comment: This sequence change replaces aspartic acid, which is acidic and polar, with glutamic acid, which is acidic and polar, at codon 404 of the JUP protein (p.Asp404Glu). This variant is not present in population databases (gnomAD no frequency). This variant has not been reported in the literature in individuals affected with JUP-related conditions. ClinVar contains an entry for this variant (Variation ID: 951239). An algorithm developed to predict the effect of missense changes on protein structure and function (PolyPhen-2) suggests that this variant is likely to be disruptive. In summary, the available evidence is currently insufficient to determine the role of this variant in disease. Therefore, it has been classified as a Variant of Uncertain Significance.

Ambry Genetics
Classification: Uncertain significance for Cardiovascular phenotype. Last evaluated: 2025-04-25. Review status: criteria provided, single submitter. Criteria: Ambry Variant Classification Scheme 2023. Collection method: clinical testing. Allele origin: germline.